The following is an entry in ClinVar:

NM_024675.4(PALB2):c.261T>A (p.His87Gln)

Gene: PALB2 (partner and localizer of BRCA2; minus strand). Cytogenetic location: 16p12.2.
Variant type: single nucleotide variant.
Coding change: c.261T>A on transcript NM_024675.4 (MANE Select); coding-DNA position 261, T replaced by A.
Protein change: p.His87Gln; replaces histidine 87 with glutamine.
Molecular consequence: missense variant. On other transcripts: 5 prime UTR variant (8), intron variant (3).
Genome position (GRCh38, 1-based): chr16:23,636,285, A>T on the plus strand (T>A on the coding strand, the complement: PALB2 is on the minus strand). VCF-style: chr16-23636285-A-T. GRCh37 (hg19) VCF-style: chr16-23647606-A-T.
Other names: c.201T>A, p.His67Gln (NM_001407296.1); c.261T>A, p.His87Gln (NM_001407297.1, NM_001407298.1, NM_001407299.1 and 3 more transcripts); c.-625T>A (NM_001407304.1, NM_001407305.1, NM_001407306.1 and 5 more transcripts); c.48+4825T>A (NM_001407314.1); c.-105+4825T>A (NM_001407313.1, NM_001407312.1); short protein forms H87Q, H67Q.
Identifiers: ClinVar variation 3304008 (VCV003304008.3).

ClinVar aggregate classification (germline): Uncertain significance. Review status: criteria provided, multiple submitters, no conflicts (2 of 4 stars). 3 submissions from 3 submitters: Uncertain significance (3). Last evaluated 2026-08-28.

Conditions:
Inherited ovarian cancer (without breast cancer).
Hereditary cancer-predisposing syndrome. Also called: Neoplastic Syndromes, Hereditary; Tumor predisposition; Hereditary Cancer Syndrome; Hereditary neoplastic syndrome. Identifiers: Orphanet 140162, MedGen C0027672, MeSH D009386, MONDO:0015356.
Familial cancer of breast. Also called: BREAST CANCER, FAMILIAL; Hereditary breast cancer; hereditary breast carcinoma. Identifiers: Orphanet 227535, MedGen C0346153, MONDO:0016419, OMIM 114480. Disease mechanism: loss of function.

gnomAD v4.1: 18 of 1,613,648 alleles (0.0011%); highest among the groups gnomAD compares: Non-Finnish European, 0.0015%; no homozygotes.

Submissions (3):

Genomics and Molecular Medicine Service, East Genomic Laboratory Hub, NHS Genomic Medicine Service
Classification: Uncertain significance for Inherited ovarian cancer (without breast cancer). Last evaluated: 2026-08-28. Review status: criteria provided, single submitter. Criteria: ACGS Best Practice Guidelines for Variant Classification in Rare Disease 2020. Collection method: clinical testing. Allele origin: germline. Affected: yes.
Comment: BP1

Molecular Pathology, Peter Maccallum Cancer Centre
Classification: Uncertain significance for Familial cancer of breast. Last evaluated: 2024-09-10. Review status: criteria provided, single submitter. Criteria: ACMG Guidelines, 2015. Collection method: clinical testing. Allele origin: germline. Inheritance: Autosomal dominant inheritance.

Ambry Genetics
Classification: Uncertain significance for Hereditary cancer-predisposing syndrome. Last evaluated: 2024-05-19. Review status: criteria provided, single submitter. Criteria: Ambry Variant Classification Scheme 2023. Collection method: clinical testing. Allele origin: germline.
Comment: The p.H87Q variant (also known as c.261T>A), located in coding exon 4 of the PALB2 gene, results from a T to A substitution at nucleotide position 261. The histidine at codon 87 is replaced by glutamine, an amino acid with highly similar properties. This amino acid position is conserved. In addition, this alteration is predicted to be tolerated by in silico analysis. Based on the available evidence, the clinical significance of this variant remains unclear.